The following is an entry in ClinVar:

ClinVar aggregate classification (germline): Likely benign (1 of 4 stars; one submission).

Allele frequency attached by ClinVar (database versions not stated): gnomAD 0.00001; TOPMed 0.00001; ExAC 0.00002; gnomAD exomes 0.00003; ESP Exome Variant Server 0.00008.
gnomAD v4.1: 45 of 1,614,050 alleles (0.0028%); highest among the groups gnomAD compares: Non-Finnish European, 0.0036%; no homozygotes.

Submission:

CeGaT Center for Human Genetics Tuebingen
Classification: Likely benign. Last evaluated: 2022-11-01. Review status: criteria provided, single submitter. Criteria: CeGaT Center For Human Genetics Tuebingen Variant Classification Criteria Version 2. Collection method: clinical testing. Allele origin: germline. Affected: yes. Observed: 1 variant allele.
Comment: BEST3: BP4, BP7

NM_032735.3(BEST3):c.1644C>T (p.Ser548=)

Gene: BEST3 (bestrophin 3; minus strand). Cytogenetic location: 12q15.
Variant type: single nucleotide variant.
Coding change: c.1644C>T on transcript NM_032735.3 (MANE Select); coding-DNA position 1644, C replaced by T.
Protein change: p.Ser548=; no amino-acid change (serine 548 retained).
Molecular consequence: synonymous variant. On other transcripts: intron variant (1).
Genome position (GRCh38, 1-based): chr12:69,655,270, G>A on the plus strand (C>T on the coding strand, the complement: BEST3 is on the minus strand). VCF-style: chr12-69655270-G-A. GRCh37 (hg19) VCF-style: chr12-70049050-G-A.
Other names: c.1326C>T, p.Ser442= (NM_001282613.2); c.1005C>T, p.Ser335= (NM_152439.4); c.1101-11483C>T (NM_001282614.2).
Identifiers: ClinVar variation 2643170 (VCV002643170.24), dbSNP rs199619411, ClinGen allele CA6681247.